The following is an entry in ClinVar:

ClinVar aggregate classification (germline): Likely benign. Review status: criteria provided, multiple submitters, no conflicts (2 of 4 stars). 3 submissions from 3 submitters: Likely benign (3). Last evaluated 2025-10-01.

Conditions:
RYR1-related disorder. Also called: RYR1-related condition; RYR1-related disorders. Identifiers: MedGen CN239331.
Malignant hyperthermia, susceptibility to, 1 (MHS1). Also called: Anesthesia related hyperthermia; Malignant hyperpyrexia; Fulminating hyperpyrexia; Pharmacogenic myopathy; Malignant hyperthermia suceptibility 1; RYR1-Related Malignant Hyperthermia Susceptibility. Identifiers: Orphanet 423, MedGen C2930980, MONDO:0007783, OMIM 145600.

Allele frequency attached by ClinVar (database versions not stated): ExAC 0.00001; gnomAD exomes 0.00001 and 0.00004; gnomAD 0.00003; TOPMed 0.00003; ESP Exome Variant Server 0.00008.
gnomAD v4.1: 59 of 1,610,126 alleles (0.0037%); highest among the groups gnomAD compares: Non-Finnish European, 0.0047%; no homozygotes.

Submissions (3):

Labcorp Genetics (formerly Invitae), Labcorp
Classification: Likely benign for RYR1-related disorder. Last evaluated: 2025-10-01. Review status: criteria provided, single submitter. Criteria: Invitae Variant Classification Sherloc (09022015). Collection method: clinical testing. Allele origin: germline.

All of Us Research Program, National Institutes of Health
Classification: Likely benign for Malignant hyperthermia, susceptibility to, 1. Last evaluated: 2023-12-18. Review status: criteria provided, single submitter. Criteria: ACMG Guidelines, 2015. Collection method: clinical testing. Allele origin: germline. Inheritance: Autosomal dominant inheritance. Observed: 7 variant alleles, 7 heterozygotes.
Comment: This study involves interpretation of variants in research participants for the purpose of population health screening. Participant phenotype was not available at the time of variant classification. Additional details can be found in publication PMID: 35346344, PMCID: PMC8962531

Color Diagnostics, LLC DBA Color Health
Classification: Likely benign for Malignant hyperthermia, susceptibility to, 1. Last evaluated: 2022-11-06. Review status: criteria provided, single submitter. Criteria: ACMG Guidelines, 2015. Collection method: clinical testing. Allele origin: germline.

NM_000540.3(RYR1):c.5640G>A (p.Glu1880=)

Gene: RYR1 (ryanodine receptor 1; plus strand). Cytogenetic location: 19q13.2.
Variant type: single nucleotide variant.
Coding change: c.5640G>A on transcript NM_000540.3 (MANE Select); coding-DNA position 5640, G replaced by A.
Protein change: p.Glu1880=; no amino-acid change (glutamic acid 1880 retained).
Molecular consequence: synonymous variant.
Genome position (GRCh38, 1-based): chr19:38,489,269, G>A. VCF-style: chr19-38489269-G-A. GRCh37 (hg19) VCF-style: chr19-38979909-G-A.
Other names: c.5640G>A, p.Glu1880= (NM_001042723.2).
Identifiers: ClinVar variation 696571 (VCV000696571.11), dbSNP rs146875363, ClinGen allele CA067333.
Genomic context (GRCh38, chr19:38,489,269, plus strand): 5'-ACAGATCTTGAAGATGATTGAGCCTGAGGTCTTCACTGAGGAAGAAGAGGAGGAGGACGA[G>A]GAGGAAGAGGGTGAAGAGGAAGATGAGGAGGAGAAGGAGGAGGATGAGGAGGAAACAGCA-3'
Protein context (NP_000531.2, residues 1870-1890): VFTEEEEEED[Glu1880=]EEEGEEEDEE